The following is an entry in ClinVar:

NM_001077350.3(NPRL3):c.188+1G>T

Genes: HBA-LCR (alpha-globin locus control region; plus strand), NPRL3 (NPR3 like, GATOR1 complex subunit; minus strand). Cytogenetic location: 16p13.3.
Variant type: single nucleotide variant.
Coding change: c.188+1G>T on transcript NM_001077350.3 (MANE Select); the canonical splice donor site of the intron after coding-DNA position 188, G replaced by T.
Molecular consequence: splice donor variant.
Genome position (GRCh38, 1-based): chr16:130,521, C>A on the plus strand (G>T on the coding strand, the complement: NPRL3 is on the minus strand). VCF-style: chr16-130521-C-A. GRCh37 (hg19) VCF-style: chr16-180520-C-A.
Other names: c.-184+1G>T (NM_001243247.2); c.188+1G>T (NM_001243248.2, NM_001243249.2); c.-145+1G>T (NM_001039476.3).
Identifiers: ClinVar variation 4855989 (VCV004855989.1).

ClinVar aggregate classification (germline): Likely pathogenic (1 of 4 stars; one submission).

Conditions:
Epilepsy, familial focal, with variable foci 3 (FFEVF3). Identifiers: MedGen C4310708, MONDO:0014925, OMIM 617118.

Submission:

3billion
Classification: Likely pathogenic for Epilepsy, familial focal, with variable foci 3. Last evaluated: 2025-10-31. Review status: criteria provided, single submitter. Criteria: ACMG Guidelines, 2015. Collection method: clinical testing. Allele origin: germline. Affected: yes.
Comment: The variant is not observed in the gnomAD v4.1.0 dataset. Predicted Consequence/Location: Canonical splice site: predicted to alter splicing and result in a loss or disruption of normal protein function. Multiple pathogenic loss-of-function variants are reported downstream of the variant. In silico tools predict the variant to alter splicing and produce an abnormal transcript [SpliceAI: 0.98 (spliceogenicity >=0.2, non-spliceogenicity <0.1)]. Therefore, this variant is classified as Likely pathogenic according to the recommendation of ACMG/AMP guideline.